The following is an entry in ClinVar:

NM_000163.5(GHR):c.1734del (p.Arg578fs)

Gene: GHR (growth hormone receptor; plus strand). Cytogenetic location: 5p12.
Variant type: Deletion.
Coding change: c.1734del on transcript NM_000163.5 (MANE Select); coding-DNA position 1734, one base deleted (G; older notation c.1734delG).
Protein change: p.Arg578fs; shifts the reading frame from arginine 578.
Molecular consequence: frameshift variant. On other transcripts: 3 prime UTR variant (1).
Genome position (GRCh38, 1-based): chr5:42,719,241, G deleted; the last of 2 consecutive G bases (chr5:42,719,240-42,719,241); deleting either gives the same sequence. VCF-style (leftmost placement, unchanged base first): chr5-42719239-AG-A. GRCh37 (hg19) VCF-style: chr5-42719341-AG-A.
Other names: c.1755del, p.Arg585fs (NM_001242399.2); c.1734del, p.Arg578fs (NM_001242400.2, NM_001242401.4, NM_001242402.2 and 4 more transcripts); c.1668delG, p.Arg556Serfs (NM_001242460.2); c.*776del (NM_001242462.1); short protein forms R556fs, R585fs, R578fs.
Identifiers: ClinVar variation 8660 (VCV000008660.4), dbSNP rs2530783457, ClinGen allele CA2580073298.

ClinVar aggregate classification (germline): Likely pathogenic. Review status: criteria provided, single submitter (1 of 4 stars). 2 submissions from 2 submitters: Likely pathogenic (1). 1 of the submissions does not count toward it. Last evaluated 2023-06-12.

Conditions:
Laron-type isolated somatotropin defect. Also called: GROWTH HORMONE RECEPTOR DEFICIENCY; Laron Syndrome; Growth hormone binding protein deficiency or dysfunction; Growth hormone receptor deficiency or dysfunction; Laron dwarfism; Laron type pituitary dwarfism I. Identifiers: Orphanet 633, MedGen C0271568, MONDO:0009877, OMIM 262500.

Submissions (2):

Labcorp Genetics (formerly Invitae), Labcorp
Classification: Likely pathogenic. Last evaluated: 2023-06-12. Review status: criteria provided, single submitter. Criteria: Invitae Variant Classification Sherloc (09022015). Collection method: clinical testing. Allele origin: germline.
Comment: This premature translational stop signal has been observed in individual(s) with Laron dwarfism (PMID: 15536163). In at least one individual the data is consistent with being in trans (on the opposite chromosome) from a pathogenic variant. In summary, the currently available evidence indicates that the variant is pathogenic, but additional data are needed to prove that conclusively. Therefore, this variant has been classified as Likely Pathogenic. Experimental studies have shown that this premature translational stop signal affects GHR function (PMID: 15536163). Algorithms developed to predict the effect of variants on protein structure and function are not available or were not evaluated for this variant. ClinVar contains an entry for this variant (Variation ID: 8660). This variant is also known as 1776delG . This variant is not present in population databases (gnomAD no frequency). This sequence change creates a premature translational stop signal (p.Arg578Serfs*23) in the GHR gene. While this is not anticipated to result in nonsense mediated decay, it is expected to disrupt the last 61 amino acid(s) of the GHR protein.

OMIM
Classification: Pathogenic for LARON SYNDROME. Last evaluated: 2005-01-01. Review status: no assertion criteria provided. Collection method: literature only. Allele origin: germline. Not counted in ClinVar's aggregate classification.

Literature cited by the submitters: PubMed 15536163 (cited by Labcorp Genetics (formerly Invitae), Labcorp and OMIM).